The following is an entry in ClinVar:

NM_000137.4(FAH):c.1022G>C (p.Arg341Pro)

Gene: FAH (fumarylacetoacetate hydrolase; plus strand). Cytogenetic location: 15q25.1.
Variant type: single nucleotide variant.
Coding change: c.1022G>C on transcript NM_000137.4 (MANE Select); coding-DNA position 1022, G replaced by C.
Protein change: p.Arg341Pro; replaces arginine 341 with proline.
Molecular consequence: missense variant.
Genome position (GRCh38, 1-based): chr15:80,180,185, G>C. VCF-style: chr15-80180185-G-C. GRCh37 (hg19) VCF-style: chr15-80472527-G-C.
Other names: c.1022G>C, p.Arg341Pro (NM_001374377.1, NM_001374380.1); short protein forms R341P.
Identifiers: ClinVar variation 3391185 (VCV003391185.2).

ClinVar aggregate classification (germline): Uncertain significance. Review status: criteria provided, multiple submitters, no conflicts (2 of 4 stars). 2 submissions from 2 submitters: Uncertain significance (2). Last evaluated 2025-01-15.

Conditions:
Tyrosinemia type I (TYRSN1). Also called: HEPATORENAL TYROSINEMIA; FAH DEFICIENCY; Tyrosinemia type 1; Fumarylacetoacetase deficiency; Deficiency of fumarylacetoacetase. Identifiers: Orphanet 882, MedGen C0268490, MONDO:0010161, OMIM 276700. Disease mechanism: loss of function.

Submissions (2):

3billion
Classification: Uncertain significance for Tyrosinemia type I. Last evaluated: 2025-01-15. Review status: criteria provided, single submitter. Criteria: ACMG Guidelines, 2015. Collection method: clinical testing. Allele origin: germline. Affected: yes.
Comment: The variant is not observed in the gnomAD v4.1.0 dataset. Predicted Consequence/Location: Missense variant In silico tool predictions suggest damaging effect of the variant on gene or gene product [REVEL: 0.79 (>=0.6, sensitivity 0.68 and specificity 0.92); 3Cnet: 0.84 (>=0.6, sensitivity 0.72 and precision 0.9)]. The same nucleotide change resulting in the same amino acid change has been previously reported to be associated with FAH-related disorder (PMID: 21764616). A different missense change at the same codon (p.Arg341Trp) has been reported to be associated with FAH-related disorder (ClinVar ID: VCV000011868 /PMID: 7977370). However the evidence of pathogenicity is insufficient at this time. Therefore, this variant is classified as VUS according to the recommendation of ACMG/AMP guideline.

Neuberg Centre For Genomic Medicine, NCGM
Classification: Uncertain significance for Tyrosinemia type I. Review status: criteria provided, single submitter. Criteria: ACMG Guidelines, 2015. Collection method: clinical testing. Allele origin: germline. Inheritance: Autosomal recessive inheritance. Affected: yes.
Comment: The observed missense c.1022G>C p.Arg341Pro variant in FAH gene has been reported previously in homozygous state in an individual affected with Tyrosinemia, type I Dweikat et al., 2021. The p.Arg341Pro variant is absent in gnomAD Exomes. This variant has not been submitted to the ClinVar database. Multiple lines of computational evidence Polyphen - Probably Damaging, SIFT - Damaging and MutationTaster - Disease causing predict a damaging effect on protein structure and function for this variant. The reference amino acid of p.Arg341Pro in FAH is predicted as conserved by PhyloP across 100 vertebrates. The amino acid Arg at position 341 is changed to a Pro changing protein sequence and it might alter its composition and physico-chemical properties. Additional functional studies will be required to prove the pathogenicity of this variant. For these reasons, this variant has been classified as a Variant of Uncertain Significance VUS.

Literature cited by the submitters: PubMed 21764616 (cited by 3billion); PubMed 7977370 (cited by 3billion).